The following is an entry in ClinVar:

ClinVar aggregate classification (germline): Uncertain significance. Review status: criteria provided, multiple submitters, no conflicts (2 of 4 stars). 3 submissions from 3 submitters: Uncertain significance (3). Last evaluated 2025-07-16.

Conditions:
Cardiovascular phenotype. Identifiers: MedGen CN230736.
Duchenne muscular dystrophy (DMD). Also called: Duchenne Muscular Dystrophy (DMD); MUSCULAR DYSTROPHY, PSEUDOHYPERTROPHIC PROGRESSIVE, DUCHENNE TYPE. Identifiers: Orphanet 98896, MedGen C0013264, MONDO:0010679, OMIM 310200.

Allele frequency attached by ClinVar (database versions not stated): gnomAD exomes below 0.00001.
gnomAD v4.1: 2 of 1,209,897 alleles (0.00017%); highest among the groups gnomAD compares: African/African-American, 0.0035%; no homozygotes.

Submissions (3):

Labcorp Genetics (formerly Invitae), Labcorp
Classification: Uncertain significance for Duchenne muscular dystrophy. Last evaluated: 2025-07-16. Review status: criteria provided, single submitter. Criteria: Invitae Variant Classification Sherloc (09022015). Collection method: clinical testing. Allele origin: germline.
Comment: This sequence change replaces alanine, which is neutral and non-polar, with aspartic acid, which is acidic and polar, at codon 1436 of the DMD protein (p.Ala1436Asp). This variant is not present in population databases (gnomAD no frequency). This variant has not been reported in the literature in individuals affected with DMD-related conditions. ClinVar contains an entry for this variant (Variation ID: 284125). Invitae Evidence Modeling of protein sequence and biophysical properties (such as structural, functional, and spatial information, amino acid conservation, physicochemical variation, residue mobility, and thermodynamic stability) indicates that this missense variant is not expected to disrupt DMD protein function with a negative predictive value of 95%. In summary, the available evidence is currently insufficient to determine the role of this variant in disease. Therefore, it has been classified as a Variant of Uncertain Significance.

Ambry Genetics
Classification: Uncertain significance for Cardiovascular phenotype. Last evaluated: 2022-03-21. Review status: criteria provided, single submitter. Criteria: Ambry Variant Classification Scheme 2023. Collection method: clinical testing. Allele origin: germline.
Comment: The p.A1436D variant (also known as c.4307C>A), located in coding exon 31 of the DMD gene, results from a C to A substitution at nucleotide position 4307. The alanine at codon 1436 is replaced by aspartic acid, an amino acid with dissimilar properties. This amino acid position is not well conserved in available vertebrate species. In addition, this alteration is predicted to be tolerated by in silico analysis. Since supporting evidence is limited at this time, the clinical significance of this alteration remains unclear.

Eurofins Ntd Llc (ga)
Classification: Uncertain significance. Last evaluated: 2015-11-03. Review status: criteria provided, single submitter. Criteria: EGL Classification Definitions 2015. Collection method: clinical testing. Allele origin: germline. Observed: 1 variant allele, 1 heterozygote.

NM_004006.3(DMD):c.4307C>A (p.Ala1436Asp)

Gene: DMD (dystrophin; minus strand). Cytogenetic location: Xp21.1.
Variant type: single nucleotide variant.
Coding change: c.4307C>A on transcript NM_004006.3 (MANE Select); coding-DNA position 4307, C replaced by A.
Protein change: p.Ala1436Asp; replaces alanine 1436 with aspartic acid.
Molecular consequence: missense variant.
Genome position (GRCh38, 1-based): chrX:32,390,108, G>T on the plus strand (C>A on the coding strand, the complement: DMD is on the minus strand). VCF-style: chrX-32390108-G-T. GRCh37 (hg19) VCF-style: chrX-32408225-G-T.
Other names: c.4283C>A, p.Ala1428Asp (NM_000109.4); c.4295C>A, p.Ala1432Asp (NM_004009.3); c.3938C>A, p.Ala1313Asp (NM_004010.3); c.284C>A, p.Ala95Asp (NM_004011.4); c.275C>A, p.Ala92Asp (NM_004012.4); short protein forms A1436D, A1432D, A95D, A1313D, A1428D, A92D.
Identifiers: ClinVar variation 284125 (VCV000284125.11), dbSNP rs886042798, ClinGen allele CA10604696.